The following is an entry in ClinVar:

ClinVar aggregate classification (germline): Uncertain significance. Review status: criteria provided, multiple submitters, no conflicts (2 of 4 stars). 2 submissions from 2 submitters: Uncertain significance (2). Last evaluated 2023-12-27.

Conditions:
Inborn genetic diseases. Identifiers: MedGen C0950123, MeSH D030342.
Developmental and epileptic encephalopathy, 1 (DEE1). Also called: X-linked infantile spasms; West's syndrome; Tonic spasms with clustering, arrest of psychomotor development and hypsarrhythmia on EEG; X-Linked Infantile Spasm Syndrome; OHTAHARA SYNDROME, X-LINKED; INFANTILE SPASM SYNDROME, X-LINKED 1. Identifiers: MedGen C3463992, MONDO:0010632, OMIM 308350. Disease mechanism: loss of function.
Intellectual disability, X-linked, with or without seizures, ARX-related. Also called: INTELLECTUAL DEVELOPMENTAL DISORDER, X-LINKED 29; MENTAL RETARDATION, X-LINKED 29; MENTAL RETARDATION, X-LINKED 32; MENTAL RETARDATION, X-LINKED 33; MENTAL RETARDATION, X-LINKED 38; MENTAL RETARDATION, X-LINKED 43. Identifiers: Orphanet 777, MedGen C0796244, MONDO:0010317, OMIM 300419.

Allele frequency attached by ClinVar (database versions not stated): gnomAD exomes 0.00002.

Submissions (2):

Ambry Genetics
Classification: Uncertain significance for Inborn genetic diseases. Last evaluated: 2023-12-27. Review status: criteria provided, single submitter. Criteria: Ambry Variant Classification Scheme 2023. Collection method: clinical testing. Allele origin: germline.

Labcorp Genetics (formerly Invitae), Labcorp
Classification: Uncertain significance for Developmental and epileptic encephalopathy, 1; Intellectual disability, X-linked, with or without seizures, ARX-related. Last evaluated: 2023-07-10. Review status: criteria provided, single submitter. Criteria: Invitae Variant Classification Sherloc (09022015). Collection method: clinical testing. Allele origin: germline.
Comment: In summary, the available evidence is currently insufficient to determine the role of this variant in disease. Therefore, it has been classified as a Variant of Uncertain Significance. Advanced modeling of protein sequence and biophysical properties (such as structural, functional, and spatial information, amino acid conservation, physicochemical variation, residue mobility, and thermodynamic stability) has been performed at Invitae for this missense variant, however the output from this modeling did not meet the statistical confidence thresholds required to predict the impact of this variant on ARX protein function. This variant has not been reported in the literature in individuals affected with ARX-related conditions. This variant is not present in population databases (gnomAD no frequency). This sequence change replaces glycine, which is neutral and non-polar, with alanine, which is neutral and non-polar, at codon 34 of the ARX protein (p.Gly34Ala).

NM_139058.3(ARX):c.101G>C (p.Gly34Ala)

Gene: ARX (aristaless related homeobox; minus strand). Cytogenetic location: Xp21.3.
Variant type: single nucleotide variant.
Coding change: c.101G>C on transcript NM_139058.3 (MANE Select); coding-DNA position 101, G replaced by C.
Protein change: p.Gly34Ala; replaces glycine 34 with alanine.
Molecular consequence: missense variant.
Genome position (GRCh38, 1-based): chrX:25,015,637, C>G on the plus strand (G>C on the coding strand, the complement: ARX is on the minus strand). VCF-style: chrX-25015637-C-G. GRCh37 (hg19) VCF-style: chrX-25033754-C-G.
Other names: c.101G>C (NM_139058.2); short protein forms G34A.
Identifiers: ClinVar variation 2932124 (VCV002932124.4), dbSNP rs2519109243, ClinGen allele CA412613894.